The following is an entry in ClinVar:

ClinVar aggregate classification (germline): Pathogenic (1 of 4 stars; one submission).

gnomAD v4.1: 1 of 1,614,092 alleles (0.000062%); no homozygotes.

Submission:

Labcorp Genetics (formerly Invitae), Labcorp
Classification: Pathogenic. Last evaluated: 2025-05-10. Review status: criteria provided, single submitter. Criteria: Invitae Variant Classification Sherloc (09022015). Collection method: clinical testing. Allele origin: germline.
Comment: This sequence change creates a premature translational stop signal (p.Glu407*) in the NSUN2 gene. It is expected to result in an absent or disrupted protein product. Loss-of-function variants in NSUN2 are known to be pathogenic (PMID: 22541559, 22577224). This variant is present in population databases (no rsID available, gnomAD 0.01%). This variant has not been reported in the literature in individuals affected with NSUN2-related conditions. For these reasons, this variant has been classified as Pathogenic.

Literature cited by the submitters: PubMed 22541559; PubMed 22577224.

NM_017755.6(NSUN2):c.1219G>T (p.Glu407Ter)

Gene: NSUN2 (NOP2/Sun RNA methyltransferase 2; minus strand). Cytogenetic location: 5p15.31.
Variant type: single nucleotide variant.
Coding change: c.1219G>T on transcript NM_017755.6 (MANE Select); coding-DNA position 1219, G replaced by T.
Protein change: p.Glu407Ter; replaces glutamic acid 407 with a stop codon.
Molecular consequence: nonsense. On other transcripts: non-coding transcript variant (1).
Genome position (GRCh38, 1-based): chr5:6,610,962, C>A on the plus strand (G>T on the coding strand, the complement: NSUN2 is on the minus strand). VCF-style: chr5-6610962-C-A. GRCh37 (hg19) VCF-style: chr5-6611075-C-A.
Other names: c.1114G>T, p.Glu372Ter (NM_001193455.2); short protein forms E372*, E407*.
Identifiers: ClinVar variation 4719285 (VCV004719285.1).